The following is an entry in ClinVar:

ClinVar aggregate classification (germline): Likely benign (1 of 4 stars; one submission).

Allele frequency attached by ClinVar (database versions not stated): gnomAD exomes 0.00035; ExAC 0.00047; 1000 Genomes Project 0.00060; 1000 Genomes Project 30x 0.00062; gnomAD 0.00090; TOPMed 0.00101; ESP Exome Variant Server 0.00123.
gnomAD v4.1: 664 of 1,614,098 alleles (0.041%); highest among the groups gnomAD compares: Middle Eastern, 0.38%; 1 homozygote.

Submission:

CeGaT Center for Human Genetics Tuebingen
Classification: Likely benign. Last evaluated: 2026-04-01. Review status: criteria provided, single submitter. Criteria: CeGaT Center For Human Genetics Tuebingen Variant Classification Criteria Version 2. Collection method: clinical testing. Allele origin: germline. Affected: yes. Observed: 4 variant alleles.
Comment: WDFY3: BP4, BP7, BS1

NM_014991.6(WDFY3):c.8883C>T (p.Phe2961=)

Gene: WDFY3 (WD repeat and FYVE domain containing 3; minus strand). Cytogenetic location: 4q21.23.
Variant type: single nucleotide variant.
Coding change: c.8883C>T on transcript NM_014991.6 (MANE Select); coding-DNA position 8883, C replaced by T.
Protein change: p.Phe2961=; no amino-acid change (phenylalanine 2961 retained).
Molecular consequence: synonymous variant.
Genome position (GRCh38, 1-based): chr4:84,695,988, G>A on the plus strand (C>T on the coding strand, the complement: WDFY3 is on the minus strand). VCF-style: chr4-84695988-G-A. GRCh37 (hg19) VCF-style: chr4-85617141-G-A.
Identifiers: ClinVar variation 2654862 (VCV002654862.24), dbSNP rs143808972, ClinGen allele CA2992306.